The following is an entry in ClinVar:

ClinVar aggregate classification (germline): Uncertain significance (1 of 4 stars; one submission).

Conditions:
Deficiency of adenosine deaminase 2. Also called: Adenosine Deaminase 2 Deficiency; VASCULITIS, AUTOINFLAMMATION, IMMUNODEFICIENCY, AND HEMATOLOGIC DEFECTS SYNDROME; Polyarteritis nodosa, childhoood-onset. Identifiers: Orphanet 404553, MedGen C3887654, MONDO:0014306, OMIM 615688, MONDO:0100317.

Allele frequency attached by ClinVar (database versions not stated): ESP Exome Variant Server 0.00008.
gnomAD v4.1: 20 of 1,613,916 alleles (0.0012%); highest among the groups gnomAD compares: South Asian, 0.0055%; no homozygotes.

Submission:

Labcorp Genetics (formerly Invitae), Labcorp
Classification: Uncertain significance for Deficiency of adenosine deaminase 2. Last evaluated: 2022-07-01. Review status: criteria provided, single submitter. Criteria: Invitae Variant Classification Sherloc (09022015). Collection method: clinical testing. Allele origin: germline.
Comment: This sequence change replaces glycine, which is neutral and non-polar, with serine, which is neutral and polar, at codon 25 of the ADA2 protein (p.Gly25Ser). The frequency data for this variant in the population databases is considered unreliable, as metrics indicate poor data quality at this position in the gnomAD database. This variant has not been reported in the literature in individuals affected with ADA2-related conditions. Algorithms developed to predict the effect of missense changes on protein structure and function output the following: SIFT: "Tolerated"; PolyPhen-2: "Benign"; Align-GVGD: "Class C0". The serine amino acid residue is found in multiple mammalian species, which suggests that this missense change does not adversely affect protein function. Algorithms developed to predict the effect of sequence changes on RNA splicing suggest that this variant may disrupt the consensus splice site. In summary, the available evidence is currently insufficient to determine the role of this variant in disease. Therefore, it has been classified as a Variant of Uncertain Significance.

NM_001282225.2(ADA2):c.73G>A (p.Gly25Ser)

Gene: ADA2 (adenosine deaminase 2; minus strand). Cytogenetic location: 22q11.1.
Variant type: single nucleotide variant.
Coding change: c.73G>A on transcript NM_001282225.2 (MANE Select); coding-DNA position 73, G replaced by A.
Protein change: p.Gly25Ser; replaces glycine 25 with serine.
Molecular consequence: missense variant. On other transcripts: intron variant (3).
Genome position (GRCh38, 1-based): chr22:17,209,605, C>T on the plus strand (G>A on the coding strand, the complement: ADA2 is on the minus strand). VCF-style: chr22-17209605-C-T. GRCh37 (hg19) VCF-style: chr22-17690495-C-T.
Other names: c.73G>A, p.Gly25Ser (NM_001282226.2); c.-47-7G>A (NM_001282227.2, NM_001282228.2); c.-38-2315G>A (NM_001282229.2); short protein forms G25S.
Identifiers: ClinVar variation 2079157 (VCV002079157.1), dbSNP rs373732727, ClinGen allele CA10088346.